The following is an entry in ClinVar:

NM_001330078.2(NRXN1):c.1162A>G (p.Thr388Ala)

Gene: NRXN1 (neurexin 1; minus strand). Cytogenetic location: 2p16.3.
Variant type: single nucleotide variant.
Coding change: c.1162A>G on transcript NM_001330078.2 (MANE Select); coding-DNA position 1162, A replaced by G.
Protein change: p.Thr388Ala; replaces threonine 388 with alanine.
Molecular consequence: missense variant.
Genome position (GRCh38, 1-based): chr2:50,620,180, T>C on the plus strand (A>G on the coding strand, the complement: NRXN1 is on the minus strand). VCF-style: chr2-50620180-T-C. GRCh37 (hg19) VCF-style: chr2-50847318-T-C.
Other names: c.1282A>G, p.Thr428Ala (NM_001135659.3); c.1138A>G, p.Thr380Ala (NM_001330077.2, NM_001330082.2, NM_001330095.2); c.1123A>G, p.Thr375Ala (NM_001330083.2, NM_001330084.2); c.1162A>G, p.Thr388Ala (NM_001330085.2, NM_001330086.2, NM_004801.6); c.1078A>G, p.Thr360Ala (NM_001330087.2, NM_001330096.2); c.1108A>G, p.Thr370Ala (NM_001330088.2); c.1159A>G, p.Thr387Ala (NM_001330093.2); c.1150A>G, p.Thr384Ala (NM_001330094.2); short protein forms T428A, T360A, T370A, T375A, T384A, T388A, T380A, T387A.
Identifiers: ClinVar variation 1968430 (VCV001968430.5), dbSNP rs938438027, ClinGen allele CA47954348.
Genomic context (GRCh38, chr2:50,620,180, plus strand): 5'-GCATGGTATAATCTTCTTGCGTGTAGCCCGTTGTGGTAAGAATCCCATCCACTGATATTG[T>C]CACCTAGATAACAAAGCACAGGGAAAGGACACGCTATACTCAGACCTAGATACTGTAATC-3'
Protein context (NP_001317007.1, residues 378-398): QHSGIGHAMV[Thr388Ala]ISVDGILTTT

ClinVar aggregate classification (germline): Uncertain significance (1 of 4 stars; one submission).

Conditions:
Pitt-Hopkins-like syndrome 2 (PTHSL2). Identifiers: Orphanet 221150, Orphanet 600663, MedGen C3280479, MONDO:0013690, OMIM 614325.

gnomAD v4.1: 6 of 1,613,060 alleles (0.00037%); highest among the groups gnomAD compares: South Asian, 0.0011%; no homozygotes.

Submission:

Labcorp Genetics (formerly Invitae), Labcorp
Classification: Uncertain significance for Pitt-Hopkins-like syndrome 2. Last evaluated: 2022-11-29. Review status: criteria provided, single submitter. Criteria: Invitae Variant Classification Sherloc (09022015). Collection method: clinical testing. Allele origin: germline.
Comment: In summary, the available evidence is currently insufficient to determine the role of this variant in disease. Therefore, it has been classified as a Variant of Uncertain Significance. Algorithms developed to predict the effect of missense changes on protein structure and function are either unavailable or do not agree on the potential impact of this missense change (SIFT: "Tolerated"; PolyPhen-2: "Possibly Damaging"; Align-GVGD: "Class C0"). This variant has not been reported in the literature in individuals affected with NRXN1-related conditions. This variant is not present in population databases (gnomAD no frequency). This sequence change replaces threonine, which is neutral and polar, with alanine, which is neutral and non-polar, at codon 428 of the NRXN1 protein (p.Thr428Ala).